The following is an entry in ClinVar:

ClinVar aggregate classification (germline): Uncertain significance. Review status: criteria provided, multiple submitters, no conflicts (2 of 4 stars). 2 submissions from 2 submitters: Uncertain significance (2). Last evaluated 2025-05-15.

Conditions:
Arrhythmogenic right ventricular dysplasia 11. Also called: ARRHYTHMOGENIC RIGHT VENTRICULAR DYSPLASIA, FAMILIAL, 11; Arrhythmogenic Right Ventricular Dysplasia/Cardiomyopathy11; Arrhythmogenic right ventricular dysplasia 11 with mild palmoplantar keratoderma and woolly hair. Identifiers: MedGen C1864850, MONDO:0012506, OMIM 610476.
Cardiovascular phenotype. Identifiers: MedGen CN230736.

gnomAD v4.1: 1 of 1,530,876 alleles (0.000065%); highest among the groups gnomAD compares: South Asian, 0.0012%; no homozygotes.

Submissions (2):

Ambry Genetics
Classification: Uncertain significance for Cardiovascular phenotype. Last evaluated: 2025-05-15. Review status: criteria provided, single submitter. Criteria: Ambry Variant Classification Scheme 2023. Collection method: clinical testing. Allele origin: germline.
Comment: The p.R16G variant (also known as c.46C>G), located in coding exon 1 of the DSC2 gene, results from a C to G substitution at nucleotide position 46. The arginine at codon 16 is replaced by glycine, an amino acid with dissimilar properties. This amino acid position is conserved. In addition, this alteration is predicted to be tolerated by in silico analysis. Based on the available evidence, the clinical significance of this variant remains unclear.

Labcorp Genetics (formerly Invitae), Labcorp
Classification: Uncertain significance for Arrhythmogenic right ventricular dysplasia 11. Last evaluated: 2023-11-27. Review status: criteria provided, single submitter. Criteria: Invitae Variant Classification Sherloc (09022015). Collection method: clinical testing. Allele origin: germline.
Comment: This sequence change replaces arginine, which is basic and polar, with glycine, which is neutral and non-polar, at codon 16 of the DSC2 protein (p.Arg16Gly). This variant is not present in population databases (gnomAD no frequency). This variant has not been reported in the literature in individuals affected with DSC2-related conditions. Algorithms developed to predict the effect of missense changes on protein structure and function output the following: SIFT: "Not Available"; PolyPhen-2: "Benign"; Align-GVGD: "Not Available". The glycine amino acid residue is found in multiple mammalian species, which suggests that this missense change does not adversely affect protein function. In summary, the available evidence is currently insufficient to determine the role of this variant in disease. Therefore, it has been classified as a Variant of Uncertain Significance.

NM_024422.6(DSC2):c.46C>G (p.Arg16Gly)

Genes: DSC2 (desmocollin 2; minus strand), DSCAS (DSC1/DSC2 antisense RNA; plus strand). Cytogenetic location: 18q12.1.
Variant type: single nucleotide variant.
Coding change: c.46C>G on transcript NM_024422.6 (MANE Select); coding-DNA position 46, C replaced by G.
Protein change: p.Arg16Gly; replaces arginine 16 with glycine.
Molecular consequence: missense variant.
Genome position (GRCh38, 1-based): chr18:31,101,926, G>C on the plus strand (C>G on the coding strand, the complement: DSC2 is on the minus strand). VCF-style: chr18-31101926-G-C. GRCh37 (hg19) VCF-style: chr18-28681889-G-C.
Other names: c.46C>G (NM_024422.3); c.46C>G, p.Arg16Gly (NM_004949.5); short protein forms R16G.
Identifiers: ClinVar variation 2795736 (VCV002795736.4), dbSNP rs1987975647, ClinGen allele CA402115245.